The following is an entry in ClinVar:

NM_022455.5(NSD1):c.4832G>A (p.Cys1611Tyr)

Gene: NSD1 (nuclear receptor binding SET domain protein 1; plus strand). Cytogenetic location: 5q35.3.
Variant type: single nucleotide variant.
Coding change: c.4832G>A on transcript NM_022455.5 (MANE Select); coding-DNA position 4832, G replaced by A.
Protein change: p.Cys1611Tyr; replaces cysteine 1611 with tyrosine.
Molecular consequence: missense variant.
Genome position (GRCh38, 1-based): chr5:177,257,017, G>A. VCF-style: chr5-177257017-G-A. GRCh37 (hg19) VCF-style: chr5-176684018-G-A.
Other names: c.3959G>A, p.Cys1320Tyr (NM_001365684.2, NM_001409308.1, NM_001409309.1 and 1 more transcripts); c.4832G>A, p.Cys1611Tyr (NM_001409301.1, NM_001409302.1, NM_001409303.1); c.4412G>A, p.Cys1471Tyr (NM_001409304.1); c.4079G>A, p.Cys1360Tyr (NM_001409305.1); c.4070G>A, p.Cys1357Tyr (NM_001409306.1, NM_001409307.1); short protein forms C1360Y, C1611Y, C1320Y, C1357Y, C1471Y.
Identifiers: ClinVar variation 3661561 (VCV003661561.2).

ClinVar aggregate classification (germline): Pathogenic (1 of 4 stars; one submission).

Submission:

Labcorp Genetics (formerly Invitae), Labcorp
Classification: Pathogenic. Last evaluated: 2024-05-22. Review status: criteria provided, single submitter. Criteria: Invitae Variant Classification Sherloc (09022015). Collection method: clinical testing. Allele origin: germline.
Comment: This sequence change replaces cysteine, which is neutral and slightly polar, with tyrosine, which is neutral and polar, at codon 1611 of the NSD1 protein (p.Cys1611Tyr). This variant is not present in population databases (gnomAD no frequency). This missense change has been observed in individual(s) with clinical features of Sotos syndrome (Invitae). In at least one individual the variant was observed to be de novo. Advanced modeling of protein sequence and biophysical properties (such as structural, functional, and spatial information, amino acid conservation, physicochemical variation, residue mobility, and thermodynamic stability) performed at Invitae indicates that this missense variant is expected to disrupt NSD1 protein function with a positive predictive value of 95%. For these reasons, this variant has been classified as Pathogenic.